The following is an entry in ClinVar:

ClinVar aggregate classification (germline): Uncertain significance (1 of 4 stars; one submission).

Allele frequency attached by ClinVar (database versions not stated): ExAC 0.00001; gnomAD 0.00001; gnomAD exomes 0.00001; TOPMed 0.00001.
gnomAD v4.1: 17 of 1,611,944 alleles (0.0011%); highest among the groups gnomAD compares: African/African-American, 0.0067%; no homozygotes.

Submission:

Labcorp Genetics (formerly Invitae), Labcorp
Classification: Uncertain significance. Last evaluated: 2022-10-24. Review status: criteria provided, single submitter. Criteria: Invitae Variant Classification Sherloc (09022015). Collection method: clinical testing. Allele origin: germline.
Comment: In summary, the available evidence is currently insufficient to determine the role of this variant in disease. Therefore, it has been classified as a Variant of Uncertain Significance. Advanced modeling of protein sequence and biophysical properties (such as structural, functional, and spatial information, amino acid conservation, physicochemical variation, residue mobility, and thermodynamic stability) performed at Invitae indicates that this missense variant is not expected to disrupt C2 protein function. ClinVar contains an entry for this variant (Variation ID: 1373059). This variant has not been reported in the literature in individuals affected with C2-related conditions. This variant is present in population databases (rs768231128, gnomAD 0.01%). This sequence change replaces arginine, which is basic and polar, with tryptophan, which is neutral and slightly polar, at codon 77 of the C2 protein (p.Arg77Trp).

NM_000063.6(C2):c.229C>T (p.Arg77Trp)

Gene: C2 (complement C2; plus strand). Cytogenetic location: 6p21.33.
Variant type: single nucleotide variant.
Coding change: c.229C>T on transcript NM_000063.6 (MANE Select); coding-DNA position 229, C replaced by T.
Protein change: p.Arg77Trp; replaces arginine 77 with tryptophan.
Molecular consequence: missense variant. On other transcripts: synonymous variant (1), genic upstream transcript variant (2), intron variant (1).
Genome position (GRCh38, 1-based): chr6:31,928,137, C>T. VCF-style: chr6-31928137-C-T. GRCh37 (hg19) VCF-style: chr6-31895914-C-T.
Other names: c.114C>T, p.Pro38= (NM_001282458.2); c.229C>T, p.Arg77Trp (NM_001282459.2); c.-63-5473C>T (NM_001282457.2); c.74-5473C>T (NM_001178063.3); c.46+339C>T (NM_001145903.3); short protein forms R77W.
Identifiers: ClinVar variation 1373059 (VCV001373059.8), dbSNP rs768231128, ClinGen allele CA3727307.